The following is an entry in ClinVar:

ClinVar aggregate classification (germline): Conflicting classifications of pathogenicity. Review status: criteria provided, conflicting classifications (1 of 4 stars). 6 submissions from 6 submitters: Uncertain significance (5); Likely benign (1). Last evaluated 2025-10-28.

Conditions:
Cardiovascular phenotype. Identifiers: MedGen CN230736.
Hypertrophic cardiomyopathy 20. Identifiers: MedGen C3151267, MONDO:0013477, OMIM 613876.
Dilated cardiomyopathy 1CC (CMD1CC). Identifiers: Orphanet 154, MedGen C2751084, MONDO:0013147, OMIM 613122.

Submissions (6):

GeneDx
Classification: Uncertain significance. Last evaluated: 2025-10-28. Review status: criteria provided, single submitter. Criteria: GeneDx Variant Classification Process June 2021. Collection method: clinical testing. Allele origin: germline. Affected: yes.
Comment: Not observed at significant frequency in large population cohorts (gnomAD); In-frame duplication of 1 amino acid(s) in a repetitive region with no known function; Has not been previously published as pathogenic or benign to our knowledge

Blueprint Genetics
Classification: Likely benign. Last evaluated: 2022-12-05. Review status: criteria provided, single submitter. Criteria: ACMG Guidelines, 2015. Collection method: clinical testing. Allele origin: germline.

Labcorp Genetics (formerly Invitae), Labcorp
Classification: Uncertain significance for Dilated cardiomyopathy 1CC; Hypertrophic cardiomyopathy 20. Last evaluated: 2022-07-08. Review status: criteria provided, single submitter. Criteria: Invitae Variant Classification Sherloc (09022015). Collection method: clinical testing. Allele origin: germline.
Comment: This variant, c.1680_1682dup, results in the insertion of 1 amino acid(s) of the NEXN protein (p.Glu562dup), but otherwise preserves the integrity of the reading frame. This variant is present in population databases (rs397517849, gnomAD 0.009%). This variant has not been reported in the literature in individuals affected with NEXN-related conditions. ClinVar contains an entry for this variant (Variation ID: 47894). In summary, the available evidence is currently insufficient to determine the role of this variant in disease. Therefore, it has been classified as a Variant of Uncertain Significance.

Fulgent Genetics
Classification: Uncertain significance for Dilated cardiomyopathy 1CC; Hypertrophic cardiomyopathy 20. Last evaluated: 2021-08-02. Review status: criteria provided, single submitter. Criteria: ACMG Guidelines, 2015. Collection method: clinical testing. Allele origin: unknown.

Ambry Genetics
Classification: Uncertain significance for Cardiovascular phenotype. Last evaluated: 2017-12-16. Review status: criteria provided, single submitter. Criteria: Ambry Variant Classification Scheme 2023. Collection method: clinical testing. Allele origin: germline.
Comment: The c.1680_1682dupGGA (p.E562DUP) alteration is located in exon 13 (coding exon 12) of the NEXN gene. The alteration consists of an in-frame duplication of 3 nucleotides from position 1680 to 1682, resulting in the duplication of 1 residue. Based on insufficient or conflicting evidence, the clinical significance of this alteration remains unclear.

Laboratory for Molecular Medicine, Mass General Brigham Personalized Medicine
Classification: Uncertain significance. Last evaluated: 2012-05-01. Review status: criteria provided, single submitter. Criteria: LMM Criteria. Collection method: clinical testing. Allele origin: germline. Observed: 1 variant allele.
Comment: The Glu562_Gly563insGlu variant (NEXN) has not been reported in the literature n or previously identified by our laboratory. This variant results in an in-frame duplication of Glutamine (Glu) within a stretch of 7 Glutamine residues in exon 13 of NEXN. A deletion of 2 of the 7 Glutamine residues has been identified by o ur laboratory in two individuals with cardiomyopathy. However, the NEXN gene has not been widely studied and therefore the types of variants causing disease are not yet well characterized. Additional information is needed to assess the clin ical significance of the Glu562_Gly563insGlu variant.

NM_144573.4(NEXN):c.1671GGA[5] (p.Glu562dup)

Gene: NEXN (nexilin F-actin binding protein; plus strand). Cytogenetic location: 1p31.1.
Variant type: Microsatellite.
Coding change: c.1671GGA[5] on transcript NM_144573.4 (MANE Select); five copies in a row of the 3-base unit GGA starting at c.1671; the reference has four copies in a row; one copy, 3 bases duplicated; also written c.1680_1682dup.
Protein change: p.Glu562dup; duplicates glutamic acid 562.
Molecular consequence: inframe insertion.
Genome position (GRCh38, 1-based): chr1:77,942,481-77,942,483, GGA duplicated; duplicating any 3 consecutive bases within chr1:77,942,470-77,942,483 gives the same sequence; the position shown is the placement nearest the transcript's 3' end. VCF-style (leftmost placement, unchanged base first): chr1-77942469-A-AGAG. GRCh37 (hg19) VCF-style: chr1-78408154-A-AGAG.
Other names: p.Glu562_Gly563insGlu; c.1479GGA[5], p.Glu498dup (NM_001172309.2); c.1680_1682dupGGA (NM_144573.3); c.1680_1682dup (NM_144573.4, NM_144573.3).
Identifiers: ClinVar variation 47894 (VCV000047894.14), dbSNP rs397517848, ClinGen allele CA142125.